The following is an entry in ClinVar:

ClinVar aggregate classification (germline): Uncertain significance (1 of 4 stars; one submission).

Submission:

GeneDx
Classification: Uncertain significance. Last evaluated: 2026-02-03. Review status: criteria provided, single submitter. Criteria: GeneDx Variant Classification Process June 2021. Collection method: clinical testing. Allele origin: germline.
Comment: Not observed at significant frequency in large population cohorts (gnomAD); In silico analysis suggests that this missense variant does not alter protein structure/function; Has not been previously published as pathogenic or benign to our knowledge

NM_001321571.2(CAMK2D):c.1525G>A (p.Val509Ile)

Gene: CAMK2D (calcium/calmodulin dependent protein kinase II delta; minus strand). Cytogenetic location: 4q26.
Variant type: single nucleotide variant.
Coding change: c.1525G>A on transcript NM_001321571.2 (MANE Select); coding-DNA position 1525, G replaced by A.
Protein change: p.Val509Ile; replaces valine 509 with isoleucine.
Molecular consequence: missense variant.
Genome position (GRCh38, 1-based): chr4:113,457,345, C>T on the plus strand (G>A on the coding strand, the complement: CAMK2D is on the minus strand). VCF-style: chr4-113457345-C-T. GRCh37 (hg19) VCF-style: chr4-114378501-C-T.
Other names: c.1423G>A, p.Val475Ile (NM_001221.4, NM_001399858.1, NM_172115.3 and 2 more transcripts); c.1465G>A, p.Val489Ile (NM_001321566.2, NM_001321575.2, NM_001321583.2 and 4 more transcripts); c.1525G>A, p.Val509Ile (NM_001321567.2, NM_001321569.2, NM_001321570.2 and 2 more transcripts); c.1498G>A, p.Val500Ile (NM_001321568.2, NM_001321573.2, NM_001321587.2 and 1 more transcripts); c.1420G>A, p.Val474Ile (NM_001321574.2, NM_001321576.2, NM_001396967.1); c.1462G>A, p.Val488Ile (NM_001321577.2, NM_001321584.2, NM_001321588.2); c.877G>A, p.Val293Ile (NM_001321578.2, NM_001321585.2); c.1483G>A, p.Val495Ile (NM_001321580.2); and 9 more; short protein forms V279I, V293I, V345I, V380I, V435I, V436I, V450I, V474I.
Identifiers: ClinVar variation 4976074 (VCV004976074.1).
Genomic context (GRCh38, chr4:113,457,345, plus strand): 5'-GCTGACCATGGGTGTATTAACAAAGAAGCTGACAGCCTGGAAATATTTACTTGATGGGTA[C>T]TGTTGGTGACCCCGAGCGATGAAAATGAACATTCTGCCACTTTCCATCCCGGCGGTGCCA-3'
Protein context (NP_001308500.1, residues 499-519): VHFHRSGSPT[Val509Ile]PIKPPCIPNG